The following is an entry in ClinVar:

ClinVar aggregate classification (germline): Uncertain significance (1 of 4 stars; one submission).

Conditions:
Developmental and epileptic encephalopathy, 12 (DEE12). Identifiers: MedGen C3150988, MONDO:0013389, OMIM 613722.

Allele frequency attached by ClinVar (database versions not stated): gnomAD exomes below 0.00001; gnomAD 0.00001.
gnomAD v4.1: 2 of 1,607,936 alleles (0.00012%); highest among the groups gnomAD compares: Non-Finnish European, 0.00017%; no homozygotes.

Submission:

Labcorp Genetics (formerly Invitae), Labcorp
Classification: Uncertain significance for Developmental and epileptic encephalopathy, 12. Last evaluated: 2022-02-18. Review status: criteria provided, single submitter. Criteria: Invitae Variant Classification Sherloc (09022015). Collection method: clinical testing. Allele origin: germline.
Comment: This sequence change replaces glutamic acid, which is acidic and polar, with glutamine, which is neutral and polar, at codon 553 of the PLCB1 protein (p.Glu553Gln). In summary, the available evidence is currently insufficient to determine the role of this variant in disease. Therefore, it has been classified as a Variant of Uncertain Significance. Algorithms developed to predict the effect of missense changes on protein structure and function (SIFT, PolyPhen-2, Align-GVGD) all suggest that this variant is likely to be tolerated. ClinVar contains an entry for this variant (Variation ID: 538886). This variant has not been reported in the literature in individuals affected with PLCB1-related conditions. This variant is not present in population databases (gnomAD no frequency).

NM_015192.4(PLCB1):c.1657G>C (p.Glu553Gln)

Gene: PLCB1 (phospholipase C beta 1; plus strand). Cytogenetic location: 20p12.3.
Variant type: single nucleotide variant.
Coding change: c.1657G>C on transcript NM_015192.4 (MANE Select); coding-DNA position 1657, G replaced by C.
Protein change: p.Glu553Gln; replaces glutamic acid 553 with glutamine.
Molecular consequence: missense variant.
Genome position (GRCh38, 1-based): chr20:8,724,731, G>C. VCF-style: chr20-8724731-G-C. GRCh37 (hg19) VCF-style: chr20-8705378-G-C.
Other names: c.1657G>C, p.Glu553Gln (NM_182734.3); short protein forms E553Q.
Identifiers: ClinVar variation 538886 (VCV000538886.9), dbSNP rs1555786069, ClinGen allele CA408203515.